The following is an entry in ClinVar:

ClinVar aggregate classification (germline): Uncertain significance (1 of 4 stars; one submission).

Submission:

Ambry Genetics
Classification: Uncertain significance. Last evaluated: 2023-10-13. Review status: criteria provided, single submitter. Criteria: Ambry Variant Classification Scheme 2023. Collection method: clinical testing. Allele origin: germline.
Comment: The p.S874T variant (also known as c.2620T>A), located in coding exon 4 of the ALPK2 gene, results from a T to A substitution at nucleotide position 2620. The serine at codon 874 is replaced by threonine, an amino acid with similar properties. This amino acid position is conserved. In addition, this alteration is predicted to be tolerated by in silico analysis. Since supporting evidence is limited at this time, the clinical significance of this alteration remains unclear.

NM_052947.4(ALPK2):c.2620T>A (p.Ser874Thr)

Gene: ALPK2 (alpha kinase 2; minus strand). Cytogenetic location: 18q21.31.
Variant type: single nucleotide variant.
Coding change: c.2620T>A on transcript NM_052947.4 (MANE Select); coding-DNA position 2620, T replaced by A.
Protein change: p.Ser874Thr; replaces serine 874 with threonine.
Molecular consequence: missense variant.
Genome position (GRCh38, 1-based): chr18:58,537,567, A>T on the plus strand (T>A on the coding strand, the complement: ALPK2 is on the minus strand). VCF-style: chr18-58537567-A-T. GRCh37 (hg19) VCF-style: chr18-56204799-A-T.
Other names: short protein forms S874T.
Identifiers: ClinVar variation 3228636 (VCV003228636.1), dbSNP rs2518877448, ClinGen allele CA402570139.